The following is an entry in ClinVar:

NM_000416.3(IFNGR1):c.538G>A (p.Gly180Arg)

Gene: IFNGR1 (interferon gamma receptor 1; minus strand). Cytogenetic location: 6q23.3.
Variant type: single nucleotide variant.
Coding change: c.538G>A on transcript NM_000416.3 (MANE Select); coding-DNA position 538, G replaced by A.
Protein change: p.Gly180Arg; replaces glycine 180 with arginine.
Molecular consequence: missense variant.
Genome position (GRCh38, 1-based): chr6:137,204,340, C>T on the plus strand (G>A on the coding strand, the complement: IFNGR1 is on the minus strand). VCF-style: chr6-137204340-C-T. GRCh37 (hg19) VCF-style: chr6-137525477-C-T.
Other names: c.508G>A, p.Gly170Arg (NM_001363526.1); c.415G>A, p.Gly139Arg (NM_001363527.1); short protein forms G180R, G139R, G170R.
Identifiers: ClinVar variation 111213 (VCV000111213.20), dbSNP rs137854904, ClinGen allele CA230511.
Genomic context (GRCh38, chr6:137,204,340, plus strand): 5'-ACTTTTGCTAGCTACACAAGAATTTCCATTATGAAAAATGTGAAACACATACCTCACTTC[C>T]GTTCATTCTCACATACACATTGTACACCCTAATGTAACAGGTAGTTTCGGGATCATAATC-3'
Protein context (NP_000407.1, residues 170-190): RVYNVYVRMN[Gly180Arg]SEIQYKILTQ

ClinVar aggregate classification (germline): Benign/Likely benign. Review status: criteria provided, multiple submitters, no conflicts (2 of 4 stars). 7 submissions from 7 submitters: Benign (2); Likely benign (3). 2 of the submissions do not count toward it. Last evaluated 2026-01-26.

Conditions:
IFNGR1-related disorder. Also called: IFNGR1-related condition.
Disseminated atypical mycobacterial infection. Identifiers: MedGen C0694566.
Immunodeficiency 27A (IMD27A). Also called: IMMUNODEFICIENCY 27A, MYCOBACTERIOSIS, AUTOSOMAL RECESSIVE; IFNGR1 DEFICIENCY, AUTOSOMAL RECESSIVE. Identifiers: Orphanet 319569, Orphanet 99898, MedGen C4011949, MONDO:0008856, OMIM 209950.

Allele frequency attached by ClinVar (database versions not stated): gnomAD exomes 0.00050 and 0.00101; ExAC 0.00120; ESP Exome Variant Server 0.00138; gnomAD 0.00142 and 0.00154; TOPMed 0.00149; 1000 Genomes Project 30x 0.00297; 1000 Genomes Project 0.00319.
gnomAD v4.1: 987 of 1,613,306 alleles (0.061%); highest among the groups gnomAD compares: South Asian, 0.55%; 8 homozygotes.

Submissions (7):

Labcorp Genetics (formerly Invitae), Labcorp
Classification: Likely benign for Disseminated atypical mycobacterial infection. Last evaluated: 2026-01-26. Review status: criteria provided, single submitter. Criteria: Invitae Variant Classification Sherloc (09022015). Collection method: clinical testing. Allele origin: germline.

Blueprint Genetics
Classification: Likely benign. Last evaluated: 2024-10-22. Review status: criteria provided, single submitter. Criteria: ACMG Guidelines, 2015. Collection method: clinical testing. Allele origin: germline.

Women's Health and Genetics/Laboratory Corporation of America, LabCorp
Classification: Benign. Last evaluated: 2023-10-27. Review status: criteria provided, single submitter. Criteria: LabCorp Variant Classification Summary - May 2015. Collection method: clinical testing. Allele origin: germline.
Comment: Variant summary: IFNGR1 c.538G>A (p.Gly180Arg) results in a non-conservative amino acid change located in the Interferon gamma receptor, D2 domain, poxvirus/mammal (IPR021126) of the encoded protein sequence. Four of five in-silico tools predict a benign effect of the variant on protein function. The variant allele was found at a frequency of 0.001 in 251252 control chromosomes in the gnomAD database, including 1 homozygote. To our knowledge, no occurrence of c.538G>A in individuals affected with Interferon Gamma Receptor Deficiency and no experimental evidence demonstrating its impact on protein function have been reported. Two submitters have cited clinical-significance assessments for this variant to ClinVar after 2014. All submitters classified the variant as benign/likely benign. Based on the evidence outlined above, the variant was classified as benign.

Illumina Laboratory Services, Illumina
Classification: Benign for Immunodeficiency 27A. Last evaluated: 2017-04-27. Review status: criteria provided, single submitter. Criteria: ICSL Variant Classification Criteria 13 December 2019. Collection method: clinical testing. Allele origin: germline.
Comment: This variant was observed as part of a predisposition screen in an ostensibly healthy population. A literature search was performed for the gene, cDNA change, and amino acid change (where applicable). No publications were found based on this search. Allele frequency data from public databases was too high to be consistent with this variant causing disease. Therefore, this variant is classified as benign.

Breakthrough Genomics
Classification: Likely benign. Review status: criteria provided, single submitter. Criteria: ACMG Guidelines, 2015. Collection method: not provided. Allele origin: germline. Inheritance: Autosomal recessive inheritance. Affected: yes.

PreventionGenetics, part of Exact Sciences
Classification: Likely benign for IFNGR1-related condition. Last evaluated: 2021-05-07. Review status: no assertion criteria provided. Collection method: clinical testing. Allele origin: germline. Not counted in ClinVar's aggregate classification.
Comment: This variant is classified as likely benign based on ACMG/AMP sequence variant interpretation guidelines (Richards et al. 2015 PMID: 25741868, with internal and published modifications).

Human Evolutionary Genetics, Institut Pasteur
No classification provided. Review status: no classification provided. Collection method: not provided. Allele origin: not provided. Not counted in ClinVar's aggregate classification.